The following is an entry in ClinVar:

ClinVar aggregate classification (germline): Pathogenic (1 of 4 stars; one submission).

Conditions:
Infantile neuroaxonal dystrophy (NBIA2A). Also called: NEURODEGENERATION WITH BRAIN IRON ACCUMULATION 2A; SEITELBERGER DISEASE; Infantile neuroaxonal dystrophy 1. Identifiers: Orphanet 35069, MedGen C0270724, MONDO:0024457, OMIM 256600.

Submission:

Labcorp Genetics (formerly Invitae), Labcorp
Classification: Pathogenic for Infantile neuroaxonal dystrophy. Last evaluated: 2019-11-27. Review status: criteria provided, single submitter. Criteria: Invitae Variant Classification Sherloc (09022015). Collection method: clinical testing. Allele origin: germline.
Comment: This variant is an out-of-frame deletion of the genomic region encompassing exons 6-7 of the PLA2G6 gene. This is expected to create a premature translational stop signal and result in an absent or disrupted protein product. This variant has not been reported in the literature in individuals with PLA2G6-related conditions. Loss-of-function variants in PLA2G6 are known to be pathogenic (PMID: 16783378, 18570303, 18799783, 22213678). For these reasons, this variant has been classified as Pathogenic.

Literature cited by the submitters: PubMed 16783378; PubMed 18570303; PubMed 18799783; PubMed 22213678.

NC_000022.11:g.(?_38132114)_(38135084_?)del

Gene: PLA2G6 (phospholipase A2 group VI; minus strand). Cytogenetic location: 22q13.1.
Variant type: Deletion.
Identifiers: ClinVar variation 832743 (VCV000832743.2).